The following is an entry in ClinVar:

ClinVar aggregate classification (germline): Uncertain significance (1 of 4 stars; one submission).

Submission:

GeneDx
Classification: Uncertain significance. Last evaluated: 2024-12-30. Review status: criteria provided, single submitter. Criteria: GeneDx Variant Classification Process June 2021. Collection method: clinical testing. Allele origin: germline. Affected: yes.
Comment: Not observed at significant frequency in large population cohorts (gnomAD); In silico analysis indicates that this missense variant does not alter protein structure/function; Has not been previously published as pathogenic or benign to our knowledge

NM_139058.3(ARX):c.526C>A (p.Arg176Ser)

Gene: ARX (aristaless related homeobox; minus strand). Cytogenetic location: Xp21.3.
Variant type: single nucleotide variant.
Coding change: c.526C>A on transcript NM_139058.3 (MANE Select); coding-DNA position 526, C replaced by A.
Protein change: p.Arg176Ser; replaces arginine 176 with serine.
Molecular consequence: missense variant.
Genome position (GRCh38, 1-based): chrX:25,013,469, G>T on the plus strand (C>A on the coding strand, the complement: ARX is on the minus strand). VCF-style: chrX-25013469-G-T. GRCh37 (hg19) VCF-style: chrX-25031586-G-T.
Other names: short protein forms R176S.
Identifiers: ClinVar variation 4055849 (VCV004055849.1).